The following is an entry in ClinVar:

NM_182746.3(MCM4):c.77G>A (p.Ser26Asn)

Gene: MCM4 (minichromosome maintenance complex component 4; plus strand). Cytogenetic location: 8q11.21.
Variant type: single nucleotide variant.
Coding change: c.77G>A on transcript NM_182746.3 (MANE Select); coding-DNA position 77, G replaced by A.
Protein change: p.Ser26Asn; replaces serine 26 with asparagine.
Molecular consequence: missense variant.
Genome position (GRCh38, 1-based): chr8:47,961,522, G>A. VCF-style: chr8-47961522-G-A. GRCh37 (hg19) VCF-style: chr8-48874082-G-A.
Other names: c.77G>A, p.Ser26Asn (NM_005914.4); short protein forms S26N.
Identifiers: ClinVar variation 1438631 (VCV001438631.8), dbSNP rs2154504957, ClinGen allele CA371143642.
Genomic context (GRCh38, chr8:47,961,522, plus strand): 5'-GGAAGGCCGGCCCTGAAAGTTAATGGCTGTCTTTTCTGTTTTGTGTGACACAAGCTCGGA[G>A]TGAGGATGCCAGGTCATCTCCCTCTCAGAGACGTAGAGGCGAGGATTCCACCTCCACGGG-3'
Protein context (NP_877423.1, residues 16-36): GRATPAQTPR[Ser26Asn]EDARSSPSQR

ClinVar aggregate classification (germline): Uncertain significance (1 of 4 stars; one submission).

gnomAD v4.1: 1 of 1,614,056 alleles (0.000062%); no homozygotes.

Submission:

Labcorp Genetics (formerly Invitae), Labcorp
Classification: Uncertain significance. Last evaluated: 2021-07-17. Review status: criteria provided, single submitter. Criteria: Invitae Variant Classification Sherloc (09022015). Collection method: clinical testing. Allele origin: germline.
Comment: In summary, the available evidence is currently insufficient to determine the role of this variant in disease. Therefore, it has been classified as a Variant of Uncertain Significance. Algorithms developed to predict the effect of missense changes on protein structure and function (SIFT, PolyPhen-2, Align-GVGD) all suggest that this variant is likely to be tolerated. This variant has not been reported in the literature in individuals affected with MCM4-related conditions. This sequence change replaces serine with asparagine at codon 26 of the MCM4 protein (p.Ser26Asn). The serine residue is moderately conserved and there is a small physicochemical difference between serine and asparagine. This variant is not present in population databases (ExAC no frequency).